The following is an entry in ClinVar:

ClinVar aggregate classification (germline): Uncertain significance. Review status: criteria provided, multiple submitters, no conflicts (2 of 4 stars). 2 submissions from 2 submitters: Uncertain significance (2). Last evaluated 2024-06-16.

Conditions:
Hereditary pancreatitis (PCTT). Also called: Hereditary chronic pancreatitis; PRSS1-Related Hereditary Pancreatitis. Identifiers: Orphanet 676, MedGen C0238339, MONDO:0008185, OMIM 167800.

Submissions (2):

Ambry Genetics
Classification: Uncertain significance for Hereditary pancreatitis. Last evaluated: 2024-06-16. Review status: criteria provided, single submitter. Criteria: Ambry Variant Classification Scheme 2023. Collection method: clinical testing. Allele origin: germline.
Comment: The p.T5S variant (also known as c.13A>T), located in coding exon 1 of the CTRC gene, results from an A to T substitution at nucleotide position 13. The threonine at codon 5 is replaced by serine, an amino acid with similar properties. This amino acid position is conserved. In addition, this alteration is predicted to be tolerated by in silico analysis. Since supporting evidence is limited at this time, the clinical significance of this alteration remains unclear.

ARUP Laboratories, Molecular Genetics and Genomics, ARUP Laboratories
Classification: Uncertain significance for Hereditary pancreatitis. Last evaluated: 2023-03-06. Review status: criteria provided, single submitter. Criteria: ARUP Molecular Germline Variant Investigation Process 2024. Collection method: clinical testing. Allele origin: germline.
Comment: The CTRC c.13A>T; p.Thr5Ser variant (rs933703), to our knowledge, is not reported in the medical literature but is reported in ClinVar (Variation ID: 1771755). This variant is absent from the Genome Aggregation Database, indicating it is not a common polymorphism. Computational analyses predict that this variant is neutral (REVEL: 0.12). Due to limited information, the clinical significance of this variant is uncertain at this time.

NM_007272.3(CTRC):c.13A>T (p.Thr5Ser)

Gene: CTRC (chymotrypsin C; plus strand). Cytogenetic location: 1p36.21.
Variant type: single nucleotide variant.
Coding change: c.13A>T on transcript NM_007272.3 (MANE Select); coding-DNA position 13, A replaced by T.
Protein change: p.Thr5Ser; replaces threonine 5 with serine.
Molecular consequence: missense variant.
Genome position (GRCh38, 1-based): chr1:15,438,477, A>T. VCF-style: chr1-15438477-A-T. GRCh37 (hg19) VCF-style: chr1-15764973-A-T.
Other names: short protein forms T5S.
Identifiers: ClinVar variation 1771755 (VCV001771755.4), dbSNP rs933703, ClinGen allele CA18249365.